The following is an entry in ClinVar:

ClinVar aggregate classification (germline): Uncertain significance (1 of 4 stars; one submission).

gnomAD v4.1: 3 of 1,613,330 alleles (0.00019%); highest among the groups gnomAD compares: African/African-American, 0.0027%; no homozygotes.

Submission:

Labcorp Genetics (formerly Invitae), Labcorp
Classification: Uncertain significance. Last evaluated: 2025-09-16. Review status: criteria provided, single submitter. Criteria: Invitae Variant Classification Sherloc (09022015). Collection method: clinical testing. Allele origin: germline.
Comment: This sequence change replaces aspartic acid, which is acidic and polar, with glycine, which is neutral and non-polar, at codon 327 of the TNNI3K protein (p.Asp327Gly). This variant is not present in population databases (gnomAD no frequency). This variant has not been reported in the literature in individuals affected with TNNI3K-related conditions. Invitae Evidence Modeling of protein sequence and biophysical properties (such as structural, functional, and spatial information, amino acid conservation, physicochemical variation, residue mobility, and thermodynamic stability) indicates that this missense variant is not expected to disrupt TNNI3K protein function with a negative predictive value of 80%. In summary, the available evidence is currently insufficient to determine the role of this variant in disease. Therefore, it has been classified as a Variant of Uncertain Significance.

NM_015978.3(TNNI3K):c.980A>G (p.Asp327Gly)

Genes: FPGT-TNNI3K (FPGT-TNNI3K readthrough; plus strand), TNNI3K (TNNI3 interacting kinase; plus strand). Cytogenetic location: 1p31.1.
Variant type: single nucleotide variant.
Coding change: c.980A>G on transcript NM_015978.3 (MANE Select); coding-DNA position 980, A replaced by G.
Protein change: p.Asp327Gly; replaces aspartic acid 327 with glycine.
Molecular consequence: missense variant.
Genome position (GRCh38, 1-based): chr1:74,353,313, A>G. VCF-style: chr1-74353313-A-G. GRCh37 (hg19) VCF-style: chr1-74818997-A-G.
Other names: c.1283A>G, p.Asp428Gly (NM_001112808.3, NM_001199327.2); short protein forms D327G, D428G.
Identifiers: ClinVar variation 4806094 (VCV004806094.1).